The following is an entry in ClinVar:

NM_001111125.3(IQSEC2):c.2452G>A (p.Val818Met)

Gene: IQSEC2 (IQ motif and Sec7 domain ArfGEF 2; minus strand). Cytogenetic location: Xp11.22.
Variant type: single nucleotide variant.
Coding change: c.2452G>A on transcript NM_001111125.3 (MANE Select); coding-DNA position 2452, G replaced by A.
Protein change: p.Val818Met; replaces valine 818 with methionine.
Molecular consequence: missense variant.
Genome position (GRCh38, 1-based): chrX:53,248,728, C>T on the plus strand (G>A on the coding strand, the complement: IQSEC2 is on the minus strand). VCF-style: chrX-53248728-C-T. GRCh37 (hg19) VCF-style: chrX-53277910-C-T.
Other names: c.2452G>A, p.Val818Met (NM_001410736.1); c.1837G>A, p.Val613Met (NM_015075.2); short protein forms V613M, V818M.
Identifiers: ClinVar variation 3369071 (VCV003369071.1).
Genomic context (GRCh38, chrX:53,248,728, plus strand): 5'-CTGTCCTTTTCCAGGAATCCCTGGCCCAGCCTGCCCCATCCTGGGGTCCTCACTCCAACA[C>T]GTCTCTGTTGAACTGCTTCTGCCGGTTCCCTAGGAATTCCCCTATCATCTGCCGGCTGAG-3'
Protein context (NP_001104595.1, residues 808-828): GNRQKQFNRD[Val818Met]LDCVVDEMDF

ClinVar aggregate classification (germline): Uncertain significance (1 of 4 stars; one submission).

gnomAD v4.1: 1 of 1,209,813 alleles (0.000083%); highest among the groups gnomAD compares: African/African-American, 0.0018%; no homozygotes.

Submission:

GeneDx
Classification: Uncertain significance. Last evaluated: 2024-02-14. Review status: criteria provided, single submitter. Criteria: GeneDx Variant Classification Process June 2021. Collection method: clinical testing. Allele origin: germline. Affected: yes.
Comment: In silico analysis supports that this missense variant has a deleterious effect on protein structure/function; Has not been previously published as pathogenic or benign to our knowledge; This variant is associated with the following publications: (PMID: 20473311)